The following is an entry in ClinVar:

ClinVar aggregate classification (germline): Likely pathogenic. Review status: criteria provided, multiple submitters, no conflicts (2 of 4 stars). 3 submissions from 3 submitters: Likely pathogenic (3). Last evaluated 2024-05-09.

Conditions:
Mitochondrial trifunctional protein deficiency 2 (MTPD2). Identifiers: MedGen C5830374, MONDO:0958185, OMIM 620300.
Mitochondrial trifunctional protein deficiency. Identifiers: Orphanet 746, MedGen C1969443, MONDO:0012172.

Allele frequency attached by ClinVar (database versions not stated): gnomAD exomes below 0.00001; ExAC 0.00001.
gnomAD v4.1: 1 of 1,598,564 alleles (0.000063%); highest among the groups gnomAD compares: Admixed American, 0.0017%; no homozygotes.

Submissions (3):

Fulgent Genetics
Classification: Likely pathogenic for Mitochondrial trifunctional protein deficiency 2. Last evaluated: 2024-05-09. Review status: criteria provided, single submitter. Criteria: ACMG Guidelines, 2015. Collection method: clinical testing. Allele origin: germline.

Baylor Genetics
Classification: Likely pathogenic for Mitochondrial trifunctional protein deficiency 1. Last evaluated: 2023-10-18. Review status: criteria provided, single submitter. Criteria: ACMG Guidelines, 2015. Collection method: clinical testing. Allele origin: unknown.

Women's Health and Genetics/Laboratory Corporation of America, LabCorp
Classification: Likely pathogenic for Mitochondrial trifunctional protein deficiency. Last evaluated: 2022-09-26. Review status: criteria provided, single submitter. Criteria: LabCorp Variant Classification Summary - May 2015. Collection method: clinical testing. Allele origin: germline.
Comment: Variant summary: HADHB c.811+1G>A is located in a canonical splice-site and is predicted to affect mRNA splicing resulting in a significantly altered protein due to either exon skipping, shortening, or inclusion of intronic material. Several computational tools predict a significant impact on normal splicing: Four predict the variant abolishes a 5' splicing donor site. However, these predictions have yet to be confirmed by functional studies. The variant allele was found at a frequency of 4e-06 in 251350 control chromosomes. To our knowledge, no occurrence of c.811+1G>A in individuals affected with Mitochondrial Trifunctional Protein Deficiency and no experimental evidence demonstrating its impact on protein function have been reported. No clinical diagnostic laboratories have submitted clinical-significance assessments for this variant to ClinVar after 2014. Based on the evidence outlined above, the variant was classified as likely pathogenic.

NM_000183.3(HADHB):c.811+1G>A

Gene: HADHB (hydroxyacyl-CoA dehydrogenase trifunctional multienzyme complex subunit beta; plus strand). Cytogenetic location: 2p23.3.
Variant type: single nucleotide variant.
Coding change: c.811+1G>A on transcript NM_000183.3 (MANE Select); the canonical splice donor site of the intron after coding-DNA position 811, G replaced by A.
Molecular consequence: splice donor variant.
Genome position (GRCh38, 1-based): chr2:26,279,316, G>A. VCF-style: chr2-26279316-G-A. GRCh37 (hg19) VCF-style: chr2-26502184-G-A.
Other names: c.745+1G>A (NM_001281513.2); c.766+1G>A (NM_001281512.2).
Identifiers: ClinVar variation 1722336 (VCV001722336.3), dbSNP rs760714244, ClinGen allele CA1560334.